The following is an entry in ClinVar:

NM_001378974.1(FBXW11):c.863A>C (p.Lys288Thr)

Gene: FBXW11 (F-box and WD repeat domain containing 11; minus strand). Cytogenetic location: 5q35.1.
Variant type: single nucleotide variant.
Coding change: c.863A>C on transcript NM_001378974.1 (MANE Select); coding-DNA position 863, A replaced by C.
Protein change: p.Lys288Thr; replaces lysine 288 with threonine.
Molecular consequence: missense variant.
Genome position (GRCh38, 1-based): chr5:171,878,119, T>G on the plus strand (A>C on the coding strand, the complement: FBXW11 is on the minus strand). VCF-style: chr5-171878119-T-G. GRCh37 (hg19) VCF-style: chr5-171305123-T-G.
Other names: c.767A>C, p.Lys256Thr (NM_001378976.1); c.704A>C, p.Lys235Thr (NM_001378977.1, NM_001378978.1, NM_001378979.1); c.698A>C, p.Lys233Thr (NM_001378980.1, NM_033645.3); c.800A>C, p.Lys267Thr (NM_012300.3); c.761A>C, p.Lys254Thr (NM_033644.3); c.794A>C, p.Lys265Thr (NM_001378975.1); short protein forms K233T, K235T, K254T, K256T, K265T, K267T, K288T.
Identifiers: ClinVar variation 4881104 (VCV004881104.2).
Genomic context (GRCh38, chr5:171,878,119, plus strand): 5'-TGCAGACAGAGGACAGAGCCTGTGTGTCCTGTTAACACTTTCAAACATTCCAGGCTGGTT[T>G]TATCCCATATCTATTGAGACAAGATTAGCCACAAACGATGATTAATTATACTATATTTTG-3'
Protein context (NP_001365903.1, residues 278-298): LRDNSIKIWD[Lys288Thr]TSLECLKVLT

ClinVar aggregate classification (germline): Uncertain significance (1 of 4 stars; one submission).

Conditions:
Neurodevelopmental, jaw, eye, and digital syndrome (NEDJED). Identifiers: MedGen C5394477, MONDO:0030057, OMIM 618914.

Submission:

Dasa
Classification: Uncertain significance for Neurodevelopmental, jaw, eye, and digital syndrome. Last evaluated: 2026-02-01. Review status: criteria provided, single submitter. Criteria: DASA Assertion Criteria. Collection method: clinical testing. Allele origin: germline.
Comment: NM_001378974.1(FBXW11):c.863A>C (p.Lys288Thr) is a missense variant that results in the substitution of lysine with threonine. This variant is absent from population databases. The currently available literature and clinical evidence are not sufficient to establish a definitive association between this variant and the reported condition. Therefore, this variant is classified as a variant of uncertain significance.